The following is an entry in ClinVar:

NM_021067.5(GINS1):c.252G>A (p.Leu84=)

Gene: GINS1 (GINS complex subunit 1; plus strand). Cytogenetic location: 20p11.21.
Variant type: single nucleotide variant.
Coding change: c.252G>A on transcript NM_021067.5 (MANE Select); coding-DNA position 252, G replaced by A.
Protein change: p.Leu84=; no amino-acid change (leucine 84 retained).
Molecular consequence: synonymous variant. On other transcripts: non-coding transcript variant (1).
Genome position (GRCh38, 1-based): chr20:25,418,117, G>A. VCF-style: chr20-25418117-G-A. GRCh37 (hg19) VCF-style: chr20-25398753-G-A.
Other names: p.Leu84=; c.252G>A (NM_021067.4).
Identifiers: ClinVar variation 1594630 (VCV001594630.11), dbSNP rs201539344, ClinGen allele CA9796492.
Genomic context (GRCh38, chr20:25,418,117, plus strand): 5'-GATCCCCCGTTTATTCTTATGCCACCCAATACCTTCTTGATGTCCTAGGTATGACCGCTT[G>A]CTTCGGATCAGAGCACTCAGATGGGAATATGGTAGCGTCTTGCCAAATGCATTACGATTT-3'
Protein context (NP_066545.3, residues 74-94): RCTVAYLYDR[Leu84=]LRIRALRWEY

ClinVar aggregate classification (germline): Likely benign. Review status: criteria provided, multiple submitters, no conflicts (2 of 4 stars). 3 submissions from 3 submitters: Likely benign (2). 1 of the submissions does not count toward it. Last evaluated 2026-01-02.

Conditions:
GINS1-related disorder. Also called: GINS1-related condition.

Allele frequency attached by ClinVar (database versions not stated): gnomAD exomes 0.00003 and 0.00009; ExAC 0.00010; ESP Exome Variant Server 0.00015; 1000 Genomes Project 30x 0.00016; 1000 Genomes Project 0.00020; gnomAD 0.00044 and 0.00049; TOPMed 0.00059.
gnomAD v4.1: 114 of 1,593,760 alleles (0.0072%); highest among the groups gnomAD compares: African/African-American, 0.13%; no homozygotes.

Submissions (3):

Labcorp Genetics (formerly Invitae), Labcorp
Classification: Likely benign. Last evaluated: 2026-01-02. Review status: criteria provided, single submitter. Criteria: Invitae Variant Classification Sherloc (09022015). Collection method: clinical testing. Allele origin: germline.

Mayo Clinic Laboratories, Mayo Clinic
Classification: Likely benign. Last evaluated: 2025-08-30. Review status: criteria provided, single submitter. Criteria: ACMG Guidelines, 2015. Collection method: clinical testing. Allele origin: germline. Observed: 2 variant alleles.
Comment: BP4, BP7

PreventionGenetics, part of Exact Sciences
Classification: Likely benign for GINS1-related condition. Last evaluated: 2019-07-11. Review status: no assertion criteria provided. Collection method: clinical testing. Allele origin: germline. Not counted in ClinVar's aggregate classification.
Comment: This variant is classified as likely benign based on ACMG/AMP sequence variant interpretation guidelines (Richards et al. 2015 PMID: 25741868, with internal and published modifications).